The following is an entry in ClinVar:

NM_005228.5(EGFR):c.716G>C (p.Gly239Ala)

Gene: EGFR (epidermal growth factor receptor; plus strand). Cytogenetic location: 7p11.2.
Variant type: single nucleotide variant.
Coding change: c.716G>C on transcript NM_005228.5 (MANE Select); coding-DNA position 716, G replaced by C.
Protein change: p.Gly239Ala; replaces glycine 239 with alanine.
Molecular consequence: missense variant. On other transcripts: intron variant (1).
Genome position (GRCh38, 1-based): chr7:55,152,633, G>C. VCF-style: chr7-55152633-G-C. GRCh37 (hg19) VCF-style: chr7-55220326-G-C.
Other names: c.716G>C (NM_005228.3); c.581G>C, p.Gly194Ala (NM_001346897.2, NM_001346899.2); c.716G>C, p.Gly239Ala (NM_001346898.2, NM_201282.2, NM_201283.2 and 1 more transcripts); c.557G>C, p.Gly186Ala (NM_001346900.2); c.89-3197G>C (NM_001346941.2); short protein forms G186A, G194A, G239A.
Identifiers: ClinVar variation 1055668 (VCV001055668.10), dbSNP rs1447176163, ClinGen allele CA367577510.

ClinVar aggregate classification (germline): Uncertain significance. Review status: criteria provided, multiple submitters, no conflicts (2 of 4 stars). 3 submissions from 3 submitters: Uncertain significance (3). Last evaluated 2026-08-06.

Conditions:
EGFR-related lung cancer (EGFR). Identifiers: MedGen CN130014.
Lung cancer. Also called: Lung cancer, somatic; Malignant tumor of lung. Identifiers: MedGen C0242379, MONDO:0008903, OMIM 211980.
Hereditary cancer-predisposing syndrome. Also called: Hereditary Cancer Syndrome; Hereditary neoplastic syndrome; Neoplastic Syndromes, Hereditary; Tumor predisposition. Identifiers: Orphanet 140162, MedGen C0027672, MeSH D009386, MONDO:0015356.

Allele frequency attached by ClinVar (database versions not stated): gnomAD exomes 0.00001; TOPMed 0.00001.
gnomAD v4.1: 15 of 1,613,820 alleles (0.00093%); highest among the groups gnomAD compares: East Asian, 0.031%; no homozygotes.

Submissions (3):

OLLIN Analises Genomicas, OLLIN
Classification: Uncertain significance for Lung cancer. Last evaluated: 2026-08-06. Review status: criteria provided, single submitter. Criteria: ACMG Guidelines 2015 PMID 25741868. Collection method: clinical testing. Allele origin: germline. Inheritance: Autosomal dominant inheritance.
Comment: This missense variant, located in exon 6 (of 28), has been reported in ClinVar (accession VCV001055668.9) and in gnomAD with an allele frequency of 0.00093%. However, to our knowledge, it has not been reported in the scientific literature. In silico analysis predicts that this variant has a deleterious effect. According to the currently available evidence, this variant has been classified as uncertain significance (PP3_M).

Ambry Genetics
Classification: Uncertain significance for Hereditary cancer-predisposing syndrome. Last evaluated: 2024-12-26. Review status: criteria provided, single submitter. Criteria: Ambry Variant Classification Scheme 2023. Collection method: clinical testing. Allele origin: germline.
Comment: The p.G239A variant (also known as c.716G>C), located in coding exon 6 of the EGFR gene, results from a G to C substitution at nucleotide position 716. The glycine at codon 239 is replaced by alanine, an amino acid with similar properties. This amino acid position is highly conserved in available vertebrate species. In addition, this alteration is predicted to be deleterious by in silico analysis. Based on the available evidence, the clinical significance of this variant remains unclear.

Labcorp Genetics (formerly Invitae), Labcorp
Classification: Uncertain significance for EGFR-related lung cancer. Last evaluated: 2024-05-13. Review status: criteria provided, single submitter. Criteria: Invitae Variant Classification Sherloc (09022015). Collection method: clinical testing. Allele origin: germline.
Comment: This sequence change replaces glycine, which is neutral and non-polar, with alanine, which is neutral and non-polar, at codon 239 of the EGFR protein (p.Gly239Ala). This variant is present in population databases (no rsID available, gnomAD 0.01%). This variant has not been reported in the literature in individuals affected with EGFR-related conditions. ClinVar contains an entry for this variant (Variation ID: 1055668). Advanced modeling of protein sequence and biophysical properties (such as structural, functional, and spatial information, amino acid conservation, physicochemical variation, residue mobility, and thermodynamic stability) performed at Invitae indicates that this missense variant is expected to disrupt EGFR protein function with a positive predictive value of 80%. In summary, the available evidence is currently insufficient to determine the role of this variant in disease. Therefore, it has been classified as a Variant of Uncertain Significance.